The following is an entry in ClinVar:

ClinVar aggregate classification (germline): Pathogenic/Likely pathogenic. Review status: criteria provided, multiple submitters, no conflicts (2 of 4 stars). 11 submissions from 10 submitters: Pathogenic (7); Likely pathogenic (3). 1 of the submissions does not count toward it. Last evaluated 2026-08-06.

Conditions:
ADAMTSL4-related disorder. Also called: ADAMTSL4-Related Disorders; ADAMTSL4-related condition.
Ectopia lentis 2, isolated, autosomal recessive (ECTOL2). Identifiers: Orphanet 1885, MedGen C3541474, MONDO:0009152, OMIM 225100.
Ectopia lentis et pupillae. Also called: ECTOPIA LENTIS WITH ECTOPIA OF PUPIL. Identifiers: Orphanet 1885, MedGen C1644196, MONDO:0009153, OMIM 225200.

Allele frequency attached by ClinVar (database versions not stated): gnomAD 0.00001 and 0.00002; gnomAD exomes 0.00002 and 0.00004; TOPMed 0.00003; ExAC 0.00004; ESP Exome Variant Server 0.00008.
gnomAD v4.1: 34 of 1,611,948 alleles (0.0021%); highest among the groups gnomAD compares: Middle Eastern, 0.017%; no homozygotes.

Submissions (11):

OLLIN Analises Genomicas, OLLIN
Classification: Pathogenic. Last evaluated: 2026-08-06. Review status: criteria provided, single submitter. Criteria: ACMG Guidelines 2015 PMID 25741868. Collection method: clinical testing. Allele origin: germline.
Comment: This nonsense variant, located in exon 12 (of 19), has been reported in ClinVar (accession VCV000039557.15), in gnomAD with an allele frequency of 0.0021%, and in the scientific literature, segregating with the phenotype and in compound heterozygosity, in individuals with ADAMTSL4 related disorders (PMID: 20564469). This variant introduces a premature stop codon, which is predicted to result in either a truncated protein or degradation of the mRNA via nonsense-mediated decay (NMD). According to the currently available evidence, this variant has been classified as pathogenic (PVS1, PM2_P, PM3_P, PP1).

Dasa
Classification: Pathogenic. Last evaluated: 2026-03-17. Review status: criteria provided, single submitter. Criteria: DASA Assertion Criteria. Collection method: clinical testing. Allele origin: germline.
Comment: NM_019032.6(ADAMTSL4):c.2008C>T (p.Arg670*) introduces a premature termination codon predicted to result in loss of normal protein function. Loss-of-function is an established mechanism of disease for this gene. This variant has been reported in individuals with related phenotype (PMID: 20564469). Segregation evidence has been reported in affected families. The variant is present at low frequency in population datasets. Based on the available data, this variant is classified as pathogenic.

Labcorp Genetics (formerly Invitae), Labcorp
Classification: Pathogenic. Last evaluated: 2025-11-05. Review status: criteria provided, single submitter. Criteria: Invitae Variant Classification Sherloc (09022015). Collection method: clinical testing. Allele origin: germline.
Comment: This sequence change creates a premature translational stop signal (p.Arg670*) in the ADAMTSL4 gene. It is expected to result in an absent or disrupted protein product. Loss-of-function variants in ADAMTSL4 are known to be pathogenic (PMID: 20564469, 28642162). This variant is present in population databases (rs368482584, gnomAD 0.007%). This premature translational stop signal has been observed in individual(s) with ectopia lentis (PMID: 20564469). ClinVar contains an entry for this variant (Variation ID: 39557). For these reasons, this variant has been classified as Pathogenic.

Blueprint Genetics
Classification: Pathogenic for ADAMTSL4-related disorders. Last evaluated: 2024-11-11. Review status: criteria provided, single submitter. Criteria: ACMG Guidelines, 2015. Collection method: clinical testing. Allele origin: germline. Affected: yes. Observed: 1 variant allele.

Fulgent Genetics
Classification: Pathogenic for Ectopia lentis 2, isolated, autosomal recessive; Ectopia lentis et pupillae. Last evaluated: 2024-06-19. Review status: criteria provided, single submitter. Criteria: ACMG Guidelines, 2015. Collection method: clinical testing. Allele origin: germline.

Genome-Nilou Lab
Classification: Likely pathogenic for Ectopia lentis et pupillae. Last evaluated: 2023-04-11. Review status: criteria provided, single submitter. Criteria: ACMG Guidelines, 2015. Collection method: clinical testing. Allele origin: germline. Affected: no.

Genome-Nilou Lab
Classification: Likely pathogenic for Ectopia lentis 2, isolated, autosomal recessive. Last evaluated: 2023-04-11. Review status: criteria provided, single submitter. Criteria: ACMG Guidelines, 2015. Collection method: clinical testing. Allele origin: germline. Affected: no.

Mendelics
Classification: Pathogenic for Ectopia lentis 2, isolated, autosomal recessive. Last evaluated: 2022-05-04. Review status: criteria provided, single submitter. Criteria: Mendelics Assertion Criteria 2019. Collection method: clinical testing. Allele origin: germline.

GeneDx
Classification: Pathogenic. Last evaluated: 2021-07-06. Review status: criteria provided, single submitter. Criteria: GeneDx Variant Classification Process June 2021. Collection method: clinical testing. Allele origin: germline. Affected: yes.
Comment: Nonsense variant predicted to result in protein truncation or nonsense mediated decay in a gene for which loss-of-function is a known mechanism of disease; This variant is associated with the following publications: (PMID: 25525159, 27535533, 20564469, 31589614)

Center for Genomics, Ann and Robert H. Lurie Children's Hospital of Chicago
Classification: Likely pathogenic for Ectopia lentis et pupillae; Ectopia lentis 2, isolated, autosomal recessive. Review status: criteria provided, single submitter. Criteria: ACMG Guidelines, 2015. Collection method: clinical testing. Allele origin: germline.
Comment: ADAMTSL4 NM_019032.5 exon 12 p.Arg670* (c.2008C>T): This variant has been reported in the literature in the homozygous state in one individual with isolated ectopia lentis, segregating with disease in one affected family members (Aragon-Martin 2010 PMID:20564469). This variant is also present in 0.006% (1/15690) of African alleles in the Genome Aggregation Database). Please note, disease causing variants may be present in control databases at low frequencies, reflective of the general population, carrier status, and/or variable expressivity. This variant is present in ClinVar (Variation ID:39557). Evolutionary conservation and computational predictive tools for this variant are limited or unavailable. This variant is predicted to cause a stopgain at this codon, resulting in protein truncation or loss of allelic expression through nonsense-mediated mRNA decay. Loss of function variants have been reported in association with disease for this gene (Aragon-Martin 2010 PMID:20564469, Chandra 2012 PMID:22736615, Neuhann 2015 PMID:25975359). In summary, data on this variant is highly suspicious for disease, but requires further evidence for pathogenicity. Therefore, this variant is classified as likely pathogenic.

OMIM
Classification: Pathogenic for ECTOPIA LENTIS 2, ISOLATED, AUTOSOMAL RECESSIVE. Last evaluated: 2010-08-01. Review status: no assertion criteria provided. Collection method: literature only. Allele origin: germline. Not counted in ClinVar's aggregate classification.

Literature cited by the submitters: PubMed 20564469 (cited by 4 submitters); PubMed 28642162 (cited by Labcorp Genetics (formerly Invitae), Labcorp).

NM_019032.6(ADAMTSL4):c.2008C>T (p.Arg670Ter)

Genes: ADAMTSL4 (ADAMTS like 4; plus strand), ADAMTSL4-AS2 (ADAMTSL4 antisense RNA 2; minus strand). Cytogenetic location: 1q21.2.
Variant type: single nucleotide variant.
Coding change: c.2008C>T on transcript NM_019032.6 (MANE Select); coding-DNA position 2008, C replaced by T.
Protein change: p.Arg670Ter; replaces arginine 670 with a stop codon.
Molecular consequence: nonsense.
Genome position (GRCh38, 1-based): chr1:150,557,296, C>T. VCF-style: chr1-150557296-C-T. GRCh37 (hg19) VCF-style: chr1-150529772-C-T.
Other names: c.1891C>T, p.Arg631Ter (NM_001288607.2); c.2077C>T, p.Arg693Ter (NM_001288608.2); c.2008C>T, p.Arg670Ter (NM_001378596.1, NM_025008.5); short protein forms R670*, R631*, R693*.
Identifiers: ClinVar variation 39557 (VCV000039557.17), dbSNP rs368482584, ClinGen allele CA261178.